The following is an entry in ClinVar:

ClinVar aggregate classification (germline): Pathogenic (1 of 4 stars; one submission).

Conditions:
Wiedemann-Steiner syndrome (WDSTS). Also called: Growth deficiency and mental retardation with facial dysmorphism. Identifiers: Orphanet 319182, MedGen C1854630, MONDO:0011518, OMIM 605130.

Submission:

Victorian Clinical Genetics Services, Murdoch Childrens Research Institute
Classification: Pathogenic for Wiedemann-Steiner syndrome. Last evaluated: 2025-01-28. Review status: criteria provided, single submitter. Criteria: ACMG Guidelines, 2015. Collection method: clinical testing. Allele origin: germline. Affected: yes.
Comment: This variant is classified as Pathogenic. Evidence in support of pathogenic classification: Variant is predicted to cause nonsense-mediated decay (NMD) and loss of protein (premature termination codon is located at least 54 nucleotides upstream of the final exon-exon junction); Variant is absent from gnomAD (v2, v3 and v4); Other NMD-predicted variant(s) comparable to the one identified in this case have very strong previous evidence for pathogenicity (DECIPHER, ClinVar); Additional information: This variant is heterozygous; This gene is associated with autosomal dominant disease; This variant has no previous evidence of pathogenicity; No published segregation evidence has been identified for this variant; No published functional evidence has been identified for this variant; Loss of function is a known mechanism of disease in this gene and is associated with Wiedemann-Steiner syndrome (MIM#605130).

NM_001197104.2(KMT2A):c.1579A>T (p.Arg527Ter)

Gene: KMT2A (lysine methyltransferase 2A; plus strand). Cytogenetic location: 11q23.3.
Variant type: single nucleotide variant.
Coding change: c.1579A>T on transcript NM_001197104.2 (MANE Select); coding-DNA position 1579, A replaced by T.
Protein change: p.Arg527Ter; replaces arginine 527 with a stop codon.
Molecular consequence: nonsense.
Genome position (GRCh38, 1-based): chr11:118,472,738, A>T. VCF-style: chr11-118472738-A-T. GRCh37 (hg19) VCF-style: chr11-118343453-A-T.
Other names: c.1678A>T, p.Arg560Ter (NM_001412597.1); c.1579A>T, p.Arg527Ter (NM_005933.4); short protein forms R527*, R560*.
Identifiers: ClinVar variation 4531732 (VCV004531732.1).
Genomic context (GRCh38, chr11:118,472,738, plus strand): 5'-CCTGAAGTTCATCCTCCACTGCCCATTTCCCAGTCCCCAGAAAATGAGAGTAATGATAGG[A>T]GAAGCAGAAGGTATTCAGTGTCGGAGAGAAGTTTTGGATCTAGAACGACGAAAAAATTAT-3'